The following is an entry in ClinVar:

NM_000368.5(TSC1):c.824A>T (p.Tyr275Phe)

Gene: TSC1 (TSC complex subunit 1; minus strand). Cytogenetic location: 9q34.13.
Variant type: single nucleotide variant.
Coding change: c.824A>T on transcript NM_000368.5 (MANE Select); coding-DNA position 824, A replaced by T.
Protein change: p.Tyr275Phe; replaces tyrosine 275 with phenylalanine.
Molecular consequence: missense variant. On other transcripts: 5 prime UTR variant (5), non-coding transcript variant (5).
Genome position (GRCh38, 1-based): chr9:132,912,371, T>A on the plus strand (A>T on the coding strand, the complement: TSC1 is on the minus strand). VCF-style: chr9-132912371-T-A. GRCh37 (hg19) VCF-style: chr9-135787758-T-A.
Other names: c.824A>T, p.Tyr275Phe (NM_001162426.2, NM_001406592.1, NM_001406593.1 and 16 more transcripts); c.671A>T, p.Tyr224Phe (NM_001162427.2, NM_001406610.1, NM_001406611.1 and 2 more transcripts); c.461A>T, p.Tyr154Phe (NM_001362177.2, NM_001406614.1, NM_001406615.1 and 10 more transcripts); c.-128A>T (NM_001406626.1, NM_001406627.1, NM_001406628.1); c.-270A>T (NM_001406629.1, NM_001406630.1); short protein forms Y154F, Y224F, Y275F.
Identifiers: ClinVar variation 3231334 (VCV003231334.1), dbSNP rs1554817636, ClinGen allele CA375369367.

ClinVar aggregate classification (germline): Uncertain significance (1 of 4 stars; one submission).

Conditions:
Hereditary cancer-predisposing syndrome. Also called: Neoplastic Syndromes, Hereditary; Tumor predisposition; Hereditary neoplastic syndrome; Hereditary Cancer Syndrome. Identifiers: Orphanet 140162, MedGen C0027672, MeSH D009386, MONDO:0015356.

Submission:

Ambry Genetics
Classification: Uncertain significance for Hereditary cancer-predisposing syndrome. Last evaluated: 2023-09-21. Review status: criteria provided, single submitter. Criteria: Ambry Variant Classification Scheme 2023. Collection method: clinical testing. Allele origin: germline.
Comment: The p.Y275F variant (also known as c.824A>T), located in coding exon 7 of the TSC1 gene, results from an A to T substitution at nucleotide position 824. The tyrosine at codon 275 is replaced by phenylalanine, an amino acid with highly similar properties. This amino acid position is conserved. In addition, the in silico prediction for this alteration is inconclusive. Since supporting evidence is limited at this time, the clinical significance of this alteration remains unclear.